The following is an entry in ClinVar:

NM_018960.6(GNMT):c.529C>A (p.His177Asn)

Genes: CNPY3-GNMT (CNPY3-GNMT readthrough; plus strand), GNMT (glycine N-methyltransferase; plus strand). Cytogenetic location: 6p21.1.
Variant type: single nucleotide variant.
Coding change: c.529C>A on transcript NM_018960.6 (MANE Select); coding-DNA position 529, C replaced by A.
Protein change: p.His177Asn; replaces histidine 177 with asparagine.
Molecular consequence: missense variant. On other transcripts: intron variant (1).
Genome position (GRCh38, 1-based): chr6:42,963,149, C>A. VCF-style: chr6-42963149-C-A. GRCh37 (hg19) VCF-style: chr6-42930887-C-A.
Other names: H176N; c.331C>A, p.His111Asn (NM_001318856.2); c.346C>A, p.His116Asn (NM_001318857.2); c.472C>A, p.His158Asn (NM_001318865.2); c.269-31C>A (NM_001318858.2); short protein forms H177N, H116N, H158N, H111N.
Identifiers: ClinVar variation 4170 (VCV000004170.10), dbSNP rs121907889, ClinGen allele CA248601.

ClinVar aggregate classification (germline): Uncertain significance. Review status: criteria provided, single submitter (1 of 4 stars). 2 submissions from 2 submitters: Uncertain significance (1). 1 of the submissions does not count toward it. Last evaluated 2025-03-17.

Conditions:
Glycine N-methyltransferase deficiency. Also called: GNMT DEFICIENCY. Identifiers: Orphanet 289891, MedGen C1847720, MONDO:0011698, OMIM 606664.

Allele frequency attached by ClinVar (database versions not stated): ExAC 0.00037; gnomAD exomes 0.00041 and 0.00082; TOPMed 0.00040; gnomAD 0.00038 and 0.00039.

Submissions (2):

Labcorp Genetics (formerly Invitae), Labcorp
Classification: Uncertain significance. Last evaluated: 2025-03-17. Review status: criteria provided, single submitter. Criteria: Invitae Variant Classification Sherloc (09022015). Collection method: clinical testing. Allele origin: germline.
Comment: This sequence change replaces histidine, which is basic and polar, with asparagine, which is neutral and polar, at codon 177 of the GNMT protein (p.His177Asn). This variant is present in population databases (rs121907889, gnomAD 0.07%), and has an allele count higher than expected for a pathogenic variant. This missense change has been observed in individual(s) with glycine N-methyltransferase deficiency (PMID: 11810299). It has also been observed to segregate with disease in related individuals. This variant is also known as p.His176Asn. ClinVar contains an entry for this variant (Variation ID: 4170). Invitae Evidence Modeling of protein sequence and biophysical properties (such as structural, functional, and spatial information, amino acid conservation, physicochemical variation, residue mobility, and thermodynamic stability) indicates that this missense variant is expected to disrupt GNMT protein function with a positive predictive value of 80%. In summary, the available evidence is currently insufficient to determine the role of this variant in disease. Therefore, it has been classified as a Variant of Uncertain Significance.

OMIM
Classification: Pathogenic for GLYCINE N-METHYLTRANSFERASE DEFICIENCY. Last evaluated: 2002-01-01. Review status: no assertion criteria provided. Collection method: literature only. Allele origin: germline. Not counted in ClinVar's aggregate classification.

Literature cited by the submitters: PubMed 11810299 (cited by Labcorp Genetics (formerly Invitae), Labcorp and OMIM).